The following is an entry in ClinVar:

ClinVar aggregate classification (germline): Uncertain significance. Review status: criteria provided, single submitter (1 of 4 stars). 2 submissions from 2 submitters: Uncertain significance (1). 1 of the submissions does not count toward it. Last evaluated 2023-10-03.

Allele frequency attached by ClinVar (database versions not stated): gnomAD exomes below 0.00001 and 0.00001.
gnomAD v4.1: 5 of 1,613,790 alleles (0.00031%); highest among the groups gnomAD compares: Non-Finnish European, 0.00042%; no homozygotes.

Submissions (2):

Labcorp Genetics (formerly Invitae), Labcorp
Classification: Uncertain significance. Last evaluated: 2023-10-03. Review status: criteria provided, single submitter. Criteria: Invitae Variant Classification Sherloc (09022015). Collection method: clinical testing. Allele origin: germline.
Comment: This sequence change replaces glutamic acid, which is acidic and polar, with lysine, which is basic and polar, at codon 4445 of the HMCN1 protein (p.Glu4445Lys). This variant is present in population databases (no rsID available, gnomAD 0.002%). This variant has not been reported in the literature in individuals affected with HMCN1-related conditions. ClinVar contains an entry for this variant (Variation ID: 1049024). An algorithm developed to predict the effect of missense changes on protein structure and function (PolyPhen-2) suggests that this variant is likely to be disruptive. In summary, the available evidence is currently insufficient to determine the role of this variant in disease. Therefore, it has been classified as a Variant of Uncertain Significance.

Department of Pathology and Laboratory Medicine, Sinai Health System
Classification: Uncertain significance. Review status: no assertion criteria provided. Collection method: clinical testing. Allele origin: unknown. Affected: yes. Study: The Canadian Open Genetics Repository (COGR). Not counted in ClinVar's aggregate classification.
Comment: The HMCN1 p.Glu4445Lys variant was not identified in the literature nor was it identified in ClinVar or LOVD 3.0. The variant was identified in dbSNP (ID: rs1192219867) and in control databases in 2 of 250938 chromosomes at a frequency of 0.00000797 (Genome Aggregation Database March 6, 2019, v2.1.1). The variant was observed in the European (non-Finnish) population in 2 of 113316 chromosomes (freq: 0.000018), but was not observed in the African, Latino, Ashkenazi Jewish, East Asian, European (Finnish), Other, or South Asian populations. The p.Glu4445 residue is conserved in mammals and computational analyses (PolyPhen-2, SIFT, AlignGVGD, BLOSUM, MutationTaster) provide inconsistent predictions regarding the impact to the protein; this information is not very predictive of pathogenicity. The variant occurs outside of the splicing consensus sequence and 2 of 4 in silico or computational prediction software programs (SpliceSiteFinder, MaxEntScan, NNSPLICE, GeneSplicer) predict a greater than 10% difference in splicing; this is not very predictive of pathogenicity. In summary, based on the above information the clinical significance of this variant cannot be determined with certainty at this time. This variant is classified as a variant of uncertain significance.

NM_031935.3(HMCN1):c.13333G>A (p.Glu4445Lys)

Gene: HMCN1 (hemicentin 1; plus strand). Cytogenetic location: 1q31.1.
Variant type: single nucleotide variant.
Coding change: c.13333G>A on transcript NM_031935.3 (MANE Select); coding-DNA position 13333, G replaced by A.
Protein change: p.Glu4445Lys; replaces glutamic acid 4445 with lysine.
Molecular consequence: missense variant.
Genome position (GRCh38, 1-based): chr1:186,136,688, G>A. VCF-style: chr1-186136688-G-A. GRCh37 (hg19) VCF-style: chr1-186105820-G-A.
Other names: short protein forms E4445K.
Identifiers: ClinVar variation 1049024 (VCV001049024.6), dbSNP rs1192219867, ClinGen allele CA343910552.